The following is an entry in ClinVar:

ClinVar aggregate classification (germline): Uncertain significance (1 of 4 stars; one submission).

Allele frequency attached by ClinVar (database versions not stated): gnomAD exomes below 0.00001; gnomAD 0.00001.
gnomAD v4.1: 3 of 1,613,040 alleles (0.00019%); highest among the groups gnomAD compares: South Asian, 0.0011%; no homozygotes.

Submission:

Labcorp Genetics (formerly Invitae), Labcorp
Classification: Uncertain significance. Last evaluated: 2022-11-01. Review status: criteria provided, single submitter. Criteria: Invitae Variant Classification Sherloc (09022015). Collection method: clinical testing. Allele origin: germline.
Comment: This variant is not present in population databases (gnomAD no frequency). This sequence change replaces threonine, which is neutral and polar, with isoleucine, which is neutral and non-polar, at codon 747 of the DIAPH3 protein (p.Thr747Ile). This variant has not been reported in the literature in individuals affected with DIAPH3-related conditions. In summary, the available evidence is currently insufficient to determine the role of this variant in disease. Therefore, it has been classified as a Variant of Uncertain Significance. Algorithms developed to predict the effect of missense changes on protein structure and function are either unavailable or do not agree on the potential impact of this missense change (SIFT: "Tolerated"; PolyPhen-2: "Possibly Damaging"; Align-GVGD: "Class C15").

NM_001042517.2(DIAPH3):c.2240C>T (p.Thr747Ile)

Gene: DIAPH3 (diaphanous related formin 3; minus strand). Cytogenetic location: 13q21.2.
Variant type: single nucleotide variant.
Coding change: c.2240C>T on transcript NM_001042517.2 (MANE Select); coding-DNA position 2240, C replaced by T.
Protein change: p.Thr747Ile; replaces threonine 747 with isoleucine.
Molecular consequence: missense variant.
Genome position (GRCh38, 1-based): chr13:59,916,180, G>A on the plus strand (C>T on the coding strand, the complement: DIAPH3 is on the minus strand). VCF-style: chr13-59916180-G-A. GRCh37 (hg19) VCF-style: chr13-60490314-G-A.
Other names: c.2207C>T, p.Thr736Ile (NM_001258366.2); c.2102C>T, p.Thr701Ile (NM_001258367.2); c.2030C>T, p.Thr677Ile (NM_001258368.2); c.2240C>T, p.Thr747Ile (NM_001258369.2); c.1451C>T, p.Thr484Ile (NM_001258370.2, NM_030932.4); short protein forms T701I, T736I, T484I, T677I, T747I.
Identifiers: ClinVar variation 1949756 (VCV001949756.5), dbSNP rs2047210512, ClinGen allele CA388331716.